The following is an entry in ClinVar:

NM_006035.4(CDC42BPB):c.727A>G (p.Ile243Val)

Gene: CDC42BPB (CDC42 binding protein kinase beta; minus strand). Cytogenetic location: 14q32.32.
Variant type: single nucleotide variant.
Coding change: c.727A>G on transcript NM_006035.4 (MANE Select); coding-DNA position 727, A replaced by G.
Protein change: p.Ile243Val; replaces isoleucine 243 with valine.
Molecular consequence: missense variant.
Genome position (GRCh38, 1-based): chr14:102,983,720, T>C on the plus strand (A>G on the coding strand, the complement: CDC42BPB is on the minus strand). VCF-style: chr14-102983720-T-C. GRCh37 (hg19) VCF-style: chr14-103450057-T-C.
Other names: c.727A>G, p.Ile243Val (NM_001411054.1); short protein forms I243V.
Identifiers: ClinVar variation 3600513 (VCV003600513.1).

ClinVar aggregate classification (germline): Uncertain significance (1 of 4 stars; one submission).

Conditions:
Chilton-Okur-Chung neurodevelopmental syndrome (CHOCNS). Identifiers: MedGen C5677022, MONDO:0859239, OMIM 619841.

gnomAD v4.1: 1 of 1,613,754 alleles (0.000062%); highest among the groups gnomAD compares: Non-Finnish European, 0.000085%; no homozygotes.

Submission:

Clinical Genomics Laboratory, Washington University in St. Louis
Classification: Uncertain significance for Chilton-Okur-Chung neurodevelopmental syndrome. Last evaluated: 2024-07-10. Review status: criteria provided, single submitter. Criteria: ACMG Guidelines, 2015. Collection method: clinical testing. Allele origin: germline.
Comment: The CDC42BPB c.727A>G (p.Ile243Val) variant, to our knowledge, has not been reported in the medical literature. This variant is only observed on 1 out of 250,636 alleles in the general population (gnomAD v.2.1.1), indicating it is not a common variant. Computational predictors are uncertain as to the impact of this variant on CDC42BPB function. Due to limited information, and based on ACMG/AMP guidelines for variant interpretation (Richards S et al., PMID: 25741868), the clinical significance of this variant is uncertain at this time.